The following is an entry in ClinVar:

ClinVar aggregate classification (germline): Uncertain significance (1 of 4 stars; one submission).

Allele frequency attached by ClinVar (database versions not stated): gnomAD 0.00001; gnomAD exomes 0.00003; TOPMed 0.00003; ExAC 0.00005; ESP Exome Variant Server 0.00015.

Submission:

Labcorp Genetics (formerly Invitae), Labcorp
Classification: Uncertain significance. Last evaluated: 2022-03-27. Review status: criteria provided, single submitter. Criteria: Invitae Variant Classification Sherloc (09022015). Collection method: clinical testing. Allele origin: germline.
Comment: This sequence change replaces alanine, which is neutral and non-polar, with threonine, which is neutral and polar, at codon 294 of the FLAD1 protein (p.Ala294Thr). This variant is present in population databases (rs140512344, gnomAD 0.03%). This variant has not been reported in the literature in individuals affected with FLAD1-related conditions. Algorithms developed to predict the effect of missense changes on protein structure and function are either unavailable or do not agree on the potential impact of this missense change (SIFT: "Deleterious"; PolyPhen-2: "Possibly Damaging"; Align-GVGD: "Class C0"). In summary, the available evidence is currently insufficient to determine the role of this variant in disease. Therefore, it has been classified as a Variant of Uncertain Significance.

NM_025207.5(FLAD1):c.880G>A (p.Ala294Thr)

Gene: FLAD1 (flavin adenine dinucleotide synthetase 1; plus strand). Cytogenetic location: 1q21.3.
Variant type: single nucleotide variant.
Coding change: c.880G>A on transcript NM_025207.5 (MANE Select); coding-DNA position 880, G replaced by A.
Protein change: p.Ala294Thr; replaces alanine 294 with threonine.
Molecular consequence: missense variant.
Genome position (GRCh38, 1-based): chr1:154,988,612, G>A. VCF-style: chr1-154988612-G-A. GRCh37 (hg19) VCF-style: chr1-154961088-G-A.
Other names: c.589G>A, p.Ala197Thr (NM_001184891.2, NM_201398.3); c.583G>A, p.Ala195Thr (NM_001184892.2); short protein forms A195T, A197T, A294T.
Identifiers: ClinVar variation 2158591 (VCV002158591.1), dbSNP rs140512344, ClinGen allele CA1134423.